The following is an entry in ClinVar:

NM_001035.3(RYR2):c.452A>G (p.Glu151Gly)

Gene: RYR2 (ryanodine receptor 2; plus strand). Cytogenetic location: 1q43.
Variant type: single nucleotide variant.
Coding change: c.452A>G on transcript NM_001035.3 (MANE Select); coding-DNA position 452, A replaced by G.
Protein change: p.Glu151Gly; replaces glutamic acid 151 with glycine.
Molecular consequence: missense variant.
Genome position (GRCh38, 1-based): chr1:237,374,784, A>G. VCF-style: chr1-237374784-A-G. GRCh37 (hg19) VCF-style: chr1-237538084-A-G.
Other names: c.452A>G (NM_001035.2); short protein forms E151G.
Identifiers: ClinVar variation 4695020 (VCV004695020.2).

ClinVar aggregate classification (germline): Uncertain significance. Review status: criteria provided, multiple submitters, no conflicts (2 of 4 stars). 2 submissions from 2 submitters: Uncertain significance (2). Last evaluated 2026-06-17.

Conditions:
Catecholaminergic polymorphic ventricular tachycardia 1. Also called: VENTRICULAR TACHYCARDIA, CATECHOLAMINERGIC POLYMORPHIC, 1, WITH OR WITHOUT ATRIAL DYSFUNCTION AND/OR DILATED CARDIOMYOPATHY; VENTRICULAR TACHYCARDIA, STRESS-INDUCED POLYMORPHIC 1; RYR2-Related Catecholaminergic Polymorphic Ventricular Tachycardia. Identifiers: Orphanet 3286, MedGen C1631597, MONDO:0011484, OMIM 604772.
Cardiovascular phenotype. Identifiers: MedGen CN230736.

Submissions (2):

Ambry Genetics
Classification: Uncertain significance for Cardiovascular phenotype. Last evaluated: 2026-06-17. Review status: criteria provided, single submitter. Criteria: Ambry Variant Classification Scheme 2023. Collection method: clinical testing. Allele origin: germline.

Labcorp Genetics (formerly Invitae), Labcorp
Classification: Uncertain significance for Catecholaminergic polymorphic ventricular tachycardia 1. Last evaluated: 2025-04-23. Review status: criteria provided, single submitter. Criteria: Invitae Variant Classification Sherloc (09022015). Collection method: clinical testing. Allele origin: germline.
Comment: This sequence change replaces glutamic acid, which is acidic and polar, with glycine, which is neutral and non-polar, at codon 151 of the RYR2 protein (p.Glu151Gly). This variant is not present in population databases (gnomAD no frequency). This variant has not been reported in the literature in individuals affected with RYR2-related conditions. Invitae Evidence Modeling of protein sequence and biophysical properties (such as structural, functional, and spatial information, amino acid conservation, physicochemical variation, residue mobility, and thermodynamic stability) indicates that this missense variant is expected to disrupt RYR2 protein function with a positive predictive value of 95%. In summary, the available evidence is currently insufficient to determine the role of this variant in disease. Therefore, it has been classified as a Variant of Uncertain Significance.